The following is an entry in ClinVar:

ClinVar aggregate classification (germline): Uncertain significance. Review status: criteria provided, multiple submitters, no conflicts (2 of 4 stars). 2 submissions from 2 submitters: Uncertain significance (2). Last evaluated 2026-05-19.

Conditions:
GNAS-related disorder. Identifiers: MedGen CN380105.

Allele frequency attached by ClinVar (database versions not stated): gnomAD exomes 0.00005 and 0.00001; ESP Exome Variant Server 0.00008; gnomAD 0.00019 and 0.00017; TOPMed 0.00019; 1000 Genomes Project 0.00020; ExAC 0.00010; 1000 Genomes Project 30x 0.00031.
gnomAD v4.1: 47 of 1,611,148 alleles (0.0029%); highest among the groups gnomAD compares: African/African-American, 0.053%; no homozygotes.

Submissions (2):

PreventionGenetics, part of Exact Sciences
Classification: Uncertain significance for GNAS-related condition. Last evaluated: 2026-05-19. Review status: criteria provided, single submitter. Criteria: ACMG Guidelines, 2015. Collection method: clinical testing. Allele origin: germline.
Comment: The GNAS c.10A>G variant is predicted to result in the amino acid substitution p.Arg4Gly. To our knowledge, this variant has not been reported in the literature. In the MANE transcript NM_000516, this variant is pre-coding as c.-51611A>G. This variant is reported in 0.062% of alleles in individuals of African descent in gnomAD. Although we suspect that this variant may be benign, at this time, the clinical significance of this variant is uncertain due to the absence of conclusive functional and genetic evidence.

Genomic Diagnostic Laboratory, Division of Genomic Diagnostics, Children's Hospital of Philadelphia
Classification: Uncertain significance. Last evaluated: 2015-10-01. Review status: criteria provided, single submitter. Criteria: DGD Variant Analysis Guidelines. Collection method: clinical testing. Allele origin: unknown.

NM_016592.5(GNAS):c.10A>G (p.Arg4Gly)

Genes: GNAS (GNAS complex locus; plus strand), GNAS-AS1 (GNAS antisense RNA 1; minus strand). Cytogenetic location: 20q13.32.
Variant type: single nucleotide variant.
Coding change: c.10A>G on transcript NM_016592.5 (MANE Plus Clinical); coding-DNA position 10, A replaced by G.
Protein change: p.Arg4Gly; replaces arginine 4 with glycine.
Molecular consequence: missense variant. On other transcripts: 5 prime UTR variant (1).
Genome position (GRCh38, 1-based): chr20:58,840,116, A>G. VCF-style: chr20-58840116-A-G. GRCh37 (hg19) VCF-style: chr20-57415171-A-G.
Other names: c.-728A>G (NM_001410912.1); short protein forms R4G.
Identifiers: ClinVar variation 252708 (VCV000252708.8), dbSNP rs144308406, ClinGen allele CA9926228.